The following is an entry in ClinVar:

NM_007294.4(BRCA1):c.4185+1392_4185+1393insG

Gene: BRCA1 (BRCA1 DNA repair associated; minus strand). Cytogenetic location: 17q21.31.
Variant type: Insertion.
Coding change: c.4185+1392_4185+1393insG on transcript NM_007294.4 (MANE Select); bases 1392 to 1393 of the intron after coding-DNA position 4185, G inserted.
Molecular consequence: intron variant.
Genome position: GRCh38 VCF-style: chr17-43089551-T-TC. GRCh37 (hg19) VCF-style: chr17-41241568-T-TC.
Other names: IVS 12+1392insG; c.666+1392_666+1393insG (NM_001408478.1, NM_001408514.1, NM_001408485.1 and 9 more transcripts); c.3975+1392_3975+1393insG (NM_001407907.1, NM_001407879.1, NM_001407902.1 and 13 more transcripts); c.750+1392_750+1393insG (NM_001408450.1, NM_001408434.1, NM_001408447.1 and 6 more transcripts); c.4059+1392_4059+1393insG (NM_001407672.1, NM_001407690.1, NM_001407687.1 and 11 more transcripts); c.873+1392_873+1393insG (NM_001408398.1, NM_001407992.1, NM_001408400.1 and 13 more transcripts); c.4182+1392_4182+1393insG (NM_001407629.1, NM_001407636.1, NM_001407612.1 and 22 more transcripts); c.753+1392_753+1393insG (NM_001408440.1, NM_001408428.1, NM_001408441.1 and 12 more transcripts); and 42 more.
Identifiers: ClinVar variation 209435 (VCV000209435.2), dbSNP rs34293035, ClinGen allele CA276407.

ClinVar aggregate classification (germline): Benign (3 of 4 stars; one submission).

Conditions:
Breast-ovarian cancer, familial, susceptibility to, 1 (BROVCA1). Also called: BRCA1 Hereditary Breast and Ovarian Cancer; OVARIAN CANCER, SUSCEPTIBILITY TO. Identifiers: Orphanet 145, MedGen C2676676, MONDO:0011450, OMIM 604370. Disease mechanism: loss of function.

Allele frequency attached by ClinVar (database versions not stated): gnomAD 0.29196 and 0.30062; 1000 Genomes Project 0.31969; 1000 Genomes Project 30x 0.32979.

Submission:

Evidence-based Network for the Interpretation of Germline Mutant Alleles (ENIGMA)
Classification: Benign for Breast-ovarian cancer, familial 1. Last evaluated: 2015-01-12. Review status: reviewed by expert panel. Criteria: ENIGMA BRCA1/2 Classification Criteria (2015). Collection method: curation. Allele origin: germline.
Comment: Class 1 not pathogenic based on frequency >1% in an outbred sampleset. Frequency 0.33 (Asian), 0.13 (African), 0.35 (European), derived from 1000 genomes (2012-04-30).